The following is an entry in ClinVar:

NM_004859.4(CLTC):c.4553A>G (p.Asn1518Ser)

Genes: CLTC (clathrin heavy chain; plus strand), LOC125177523 (Sharpr-MPRA regulatory region 12460; plus strand). Cytogenetic location: 17q23.1.
Variant type: single nucleotide variant.
Coding change: c.4553A>G on transcript NM_004859.4 (MANE Select); coding-DNA position 4553, A replaced by G.
Protein change: p.Asn1518Ser; replaces asparagine 1518 with serine.
Molecular consequence: missense variant.
Genome position (GRCh38, 1-based): chr17:59,685,174, A>G. VCF-style: chr17-59685174-A-G. GRCh37 (hg19) VCF-style: chr17-57762535-A-G.
Other names: c.4565A>G, p.Asn1522Ser (NM_001288653.2); short protein forms N1518S, N1522S.
Identifiers: ClinVar variation 3341048 (VCV003341048.1).

ClinVar aggregate classification (germline): Uncertain significance (1 of 4 stars; one submission).

Submission:

GeneDx
Classification: Uncertain significance. Last evaluated: 2024-02-15. Review status: criteria provided, single submitter. Criteria: GeneDx Variant Classification Process June 2021. Collection method: clinical testing. Allele origin: germline. Affected: yes.
Comment: Not observed at significant frequency in large population cohorts (gnomAD); In silico analysis supports that this missense variant has a deleterious effect on protein structure/function; Has not been previously published as pathogenic or benign to our knowledge